The following is an entry in ClinVar:

NM_213599.3(ANO5):c.2675C>T (p.Ser892Phe)

Gene: ANO5 (anoctamin 5; plus strand). Cytogenetic location: 11p14.3.
Variant type: single nucleotide variant.
Coding change: c.2675C>T on transcript NM_213599.3 (MANE Select); coding-DNA position 2675, C replaced by T.
Protein change: p.Ser892Phe; replaces serine 892 with phenylalanine.
Molecular consequence: missense variant.
Genome position (GRCh38, 1-based): chr11:22,279,698, C>T. VCF-style: chr11-22279698-C-T. GRCh37 (hg19) VCF-style: chr11-22301244-C-T.
Other names: c.2672C>T, p.Ser891Phe (NM_001142649.2); short protein forms S892F, S891F.
Identifiers: ClinVar variation 1451117 (VCV001451117.8), dbSNP rs754663101, ClinGen allele CA5923637.

ClinVar aggregate classification (germline): Uncertain significance (1 of 4 stars; one submission).

Conditions:
Gnathodiaphyseal dysplasia (GDD). Also called: GNATHODIAPHYSEAL SCLEROSIS; OSTEOGENESIS IMPERFECTA WITH UNUSUAL SKELETAL LESIONS. Identifiers: Orphanet 53697, MedGen C1833736, MONDO:0008151, OMIM 166260.
Autosomal recessive limb-girdle muscular dystrophy type 2L (LGMDR12). Also called: Limb-girdle muscular dystrophy, type 2L; Limb-Girdle Muscular Dystrophy R12 Anoctamin-5-Related (LGMD-R12); MUSCULAR DYSTROPHY, LIMB-GIRDLE, AUTOSOMAL RECESSIVE 12. Identifiers: Orphanet 206549, MedGen C1969785, MONDO:0012652, OMIM 611307.

Allele frequency attached by ClinVar (database versions not stated): ExAC 0.00001; gnomAD exomes 0.00001; TOPMed 0.00002; gnomAD 0.00003.
gnomAD v4.1: 16 of 1,612,640 alleles (0.00099%); highest among the groups gnomAD compares: African/African-American, 0.0013%; no homozygotes.

Submission:

Labcorp Genetics (formerly Invitae), Labcorp
Classification: Uncertain significance for Autosomal recessive limb-girdle muscular dystrophy type 2L; Gnathodiaphyseal dysplasia. Last evaluated: 2021-06-08. Review status: criteria provided, single submitter. Criteria: Invitae Variant Classification Sherloc (09022015). Collection method: clinical testing. Allele origin: germline.
Comment: In summary, the available evidence is currently insufficient to determine the role of this variant in disease. Therefore, it has been classified as a Variant of Uncertain Significance. Advanced modeling of protein sequence and biophysical properties (such as structural, functional, and spatial information, amino acid conservation, physicochemical variation, residue mobility, and thermodynamic stability) performed at Invitae indicates that this missense variant is not expected to disrupt ANO5 protein function. This variant is present in population databases (rs754663101, ExAC 0.002%). This variant has not been reported in the literature in individuals with ANO5-related conditions. This sequence change replaces serine with phenylalanine at codon 892 of the ANO5 protein (p.Ser892Phe). The serine residue is weakly conserved and there is a large physicochemical difference between serine and phenylalanine.